The following is an entry in ClinVar:

ClinVar aggregate classification (germline): Uncertain significance (1 of 4 stars; one submission).

Allele frequency attached by ClinVar (database versions not stated): gnomAD exomes below 0.00001.
gnomAD v4.1: 5 of 1,613,974 alleles (0.00031%); highest among the groups gnomAD compares: East Asian, 0.0022%; no homozygotes.

Submission:

Women's Health and Genetics/Laboratory Corporation of America, LabCorp
Classification: Uncertain significance. Last evaluated: 2023-11-17. Review status: criteria provided, single submitter. Criteria: LabCorp Variant Classification Summary - May 2015. Collection method: clinical testing. Allele origin: germline.
Comment: Variant summary: KIDINS220 c.1184G>A (p.Arg395Gln) results in a conservative amino acid change in the encoded protein sequence. Four of five in-silico tools predict a benign effect of the variant on protein function. The variant allele was found at a frequency of 4e-06 in 249420 control chromosomes. The available data on variant occurrences in the general population are insufficient to allow any conclusion about variant significance. To our knowledge, no occurrence of c.1184G>A in individuals affected with Spastic Paraplegia, Intellectual Disability, Nystagmus, And Obesity and no experimental evidence demonstrating its impact on protein function have been reported. No submitters have cited clinical-significance assessments for this variant to ClinVar after 2014. Based on the evidence outlined above, the variant was classified as uncertain significance.

NM_020738.4(KIDINS220):c.1184G>A (p.Arg395Gln)

Gene: KIDINS220 (kinase D interacting substrate 220; minus strand). Cytogenetic location: 2p25.1.
Variant type: single nucleotide variant.
Coding change: c.1184G>A on transcript NM_020738.4 (MANE Select); coding-DNA position 1184, G replaced by A.
Protein change: p.Arg395Gln; replaces arginine 395 with glutamine.
Molecular consequence: missense variant. On other transcripts: non-coding transcript variant (2).
Genome position (GRCh38, 1-based): chr2:8,793,902, C>T on the plus strand (G>A on the coding strand, the complement: KIDINS220 is on the minus strand). VCF-style: chr2-8793902-C-T. GRCh37 (hg19) VCF-style: chr2-8934032-C-T.
Other names: c.1187G>A, p.Arg396Gln (NM_001348729.2, NM_001348731.2, NM_001348734.2 and 3 more transcripts); c.1184G>A, p.Arg395Gln (NM_001348732.2, NM_001348735.2, NM_001348738.2 and 3 more transcripts); c.1058G>A, p.Arg353Gln (NM_001348736.2); short protein forms R353Q, R395Q, R396Q.
Identifiers: ClinVar variation 2682616 (VCV002682616.1), dbSNP rs1477655273, ClinGen allele CA345769502.